The following is an entry in ClinVar:

NM_005477.3(HCN4):c.548C>G (p.Ser183Trp)

Gene: HCN4 (hyperpolarization activated cyclic nucleotide gated potassium channel 4; minus strand). Cytogenetic location: 15q24.1.
Variant type: single nucleotide variant.
Coding change: c.548C>G on transcript NM_005477.3 (MANE Select); coding-DNA position 548, C replaced by G.
Protein change: p.Ser183Trp; replaces serine 183 with tryptophan.
Molecular consequence: missense variant.
Genome position (GRCh38, 1-based): chr15:73,367,723, G>C on the plus strand (C>G on the coding strand, the complement: HCN4 is on the minus strand). VCF-style: chr15-73367723-G-C. GRCh37 (hg19) VCF-style: chr15-73660064-G-C.
Other names: c.548C>G (NM_005477.2); short protein forms S183W.
Identifiers: ClinVar variation 1417232 (VCV001417232.8), dbSNP rs1016027191, ClinGen allele CA393097674.

ClinVar aggregate classification (germline): Uncertain significance. Review status: criteria provided, multiple submitters, no conflicts (2 of 4 stars). 2 submissions from 2 submitters: Uncertain significance (2). Last evaluated 2025-11-20.

Conditions:
Cardiovascular phenotype. Identifiers: MedGen CN230736.
Brugada syndrome 8 (BRGDA8). Identifiers: Orphanet 130, MedGen C2751083, MONDO:0013148, OMIM 613123.

Allele frequency attached by ClinVar (database versions not stated): gnomAD 0.00001.
gnomAD v4.1: 21 of 1,594,334 alleles (0.0013%); highest among the groups gnomAD compares: Non-Finnish European, 0.0018%; no homozygotes.

Submissions (2):

Labcorp Genetics (formerly Invitae), Labcorp
Classification: Uncertain significance for Brugada syndrome 8. Last evaluated: 2025-11-20. Review status: criteria provided, single submitter. Criteria: Invitae Variant Classification Sherloc (09022015). Collection method: clinical testing. Allele origin: germline.
Comment: This sequence change replaces serine, which is neutral and polar, with tryptophan, which is neutral and slightly polar, at codon 183 of the HCN4 protein (p.Ser183Trp). This variant is not present in population databases (gnomAD no frequency). This variant has not been reported in the literature in individuals affected with HCN4-related conditions. ClinVar contains an entry for this variant (Variation ID: 1417232). Invitae Evidence Modeling of protein sequence and biophysical properties (such as structural, functional, and spatial information, amino acid conservation, physicochemical variation, residue mobility, and thermodynamic stability) indicates that this missense variant is not expected to disrupt HCN4 protein function with a negative predictive value of 95%. In summary, the available evidence is currently insufficient to determine the role of this variant in disease. Therefore, it has been classified as a Variant of Uncertain Significance.

Ambry Genetics
Classification: Uncertain significance for Cardiovascular phenotype. Last evaluated: 2025-08-27. Review status: criteria provided, single submitter. Criteria: Ambry Variant Classification Scheme 2023. Collection method: clinical testing. Allele origin: germline.